The following is an entry in ClinVar:

ClinVar aggregate classification (germline): Benign/Likely benign. Review status: criteria provided, multiple submitters, no conflicts (2 of 4 stars). 6 submissions from 6 submitters: Benign (1); Likely benign (4). 1 of the submissions does not count toward it. Last evaluated 2025-06-11.

Conditions:
Prostate cancer, hereditary, 9 (HPC9). Identifiers: Orphanet 1331, MedGen C1970250, MONDO:0012597, OMIM 610997.
Hereditary cancer-predisposing syndrome. Also called: Neoplastic Syndromes, Hereditary; Tumor predisposition; Hereditary Cancer Syndrome; Hereditary neoplastic syndrome. Identifiers: Orphanet 140162, MedGen C0027672, MeSH D009386, MONDO:0015356.
HOXB13-related disorder. Also called: HOXB13-related condition; HOXB13-related disorders.

Allele frequency attached by ClinVar (database versions not stated): gnomAD exomes 0.00001; ExAC 0.00002.
gnomAD v4.1: 6 of 1,613,990 alleles (0.00037%); highest among the groups gnomAD compares: Non-Finnish European, 0.00051%; no homozygotes.

Submissions (6):

Labcorp Genetics (formerly Invitae), Labcorp
Classification: Likely benign. Last evaluated: 2025-06-11. Review status: criteria provided, single submitter. Criteria: Invitae Variant Classification Sherloc (09022015). Collection method: clinical testing. Allele origin: germline.

Myriad Genetics, Inc.
Classification: Benign for Prostate cancer, hereditary, 9. Last evaluated: 2024-10-29. Review status: criteria provided, single submitter. Criteria: Myriad Autosomal Dominant, Autosomal Recessive and X-Linked Classification Criteria (2023). Collection method: clinical testing. Allele origin: unknown.
Comment: This variant is considered benign. This variant is a silent/synonymous amino acid change and it is not expected to impact splicing.

Department of Pathology and Laboratory Medicine, Sinai Health System
Classification: Likely benign for Prostate cancer, hereditary, 9. Last evaluated: 2022-01-27. Review status: criteria provided, single submitter. Criteria: ACMG Guidelines, 2015. Collection method: clinical testing. Allele origin: germline. Affected: yes.

Sema4
Classification: Likely benign for Hereditary cancer-predisposing syndrome. Last evaluated: 2021-07-09. Review status: criteria provided, single submitter. Criteria: Sema4 Curation Guidelines. Collection method: curation. Allele origin: germline.

Ambry Genetics
Classification: Likely benign for Hereditary cancer-predisposing syndrome. Last evaluated: 2017-11-14. Review status: criteria provided, single submitter. Criteria: Ambry Variant Classification Scheme 2023. Collection method: clinical testing. Allele origin: germline.

PreventionGenetics, part of Exact Sciences
Classification: Likely benign for HOXB13-related condition. Last evaluated: 2023-03-10. Review status: no assertion criteria provided. Collection method: clinical testing. Allele origin: germline. Not counted in ClinVar's aggregate classification.
Comment: This variant is classified as likely benign based on ACMG/AMP sequence variant interpretation guidelines (Richards et al. 2015 PMID: 25741868, with internal and published modifications).

NM_006361.6(HOXB13):c.258G>C (p.Gly86=)

Gene: HOXB13 (homeobox B13; minus strand). Cytogenetic location: 17q21.32.
Variant type: single nucleotide variant.
Coding change: c.258G>C on transcript NM_006361.6 (MANE Select); coding-DNA position 258, G replaced by C.
Protein change: p.Gly86=; no amino-acid change (glycine 86 retained).
Molecular consequence: synonymous variant.
Genome position (GRCh38, 1-based): chr17:48,728,336, C>G on the plus strand (G>C on the coding strand, the complement: HOXB13 is on the minus strand). VCF-style: chr17-48728336-C-G. GRCh37 (hg19) VCF-style: chr17-46805698-C-G.
Identifiers: ClinVar variation 483507 (VCV000483507.19), dbSNP rs754872559, ClinGen allele CA8634031.
Genomic context (GRCh38, chr17:48,728,336, plus strand): 5'-CAGGGTGGCTGCCTGGGCACAGGGTTTCAGCGAGCTCCGGGACACTCGGCAGGAGTAGTA[C>G]CCGCCTCCAAAGTAACCATAAGGCACGGGAGCTGGGGACGTCCCCTGGGGCACCCCAGGG-3'
Protein context (NP_006352.2, residues 76-96): APVPYGYFGG[Gly86=]YYSCRVSRSS